The following is an entry in ClinVar:

NM_017999.5(RNF31):c.2543A>G (p.Lys848Arg)

Gene: RNF31 (ring finger protein 31; plus strand). Cytogenetic location: 14q12.
Variant type: single nucleotide variant.
Coding change: c.2543A>G on transcript NM_017999.5 (MANE Select); coding-DNA position 2543, A replaced by G.
Protein change: p.Lys848Arg; replaces lysine 848 with arginine.
Molecular consequence: missense variant.
Genome position (GRCh38, 1-based): chr14:24,157,339, A>G. VCF-style: chr14-24157339-A-G. GRCh37 (hg19) VCF-style: chr14-24626548-A-G.
Other names: c.2090A>G, p.Lys697Arg (NM_001310332.2); short protein forms K697R, K848R.
Identifiers: ClinVar variation 2856847 (VCV002856847.3), dbSNP rs377578502, ClinGen allele CA257873820.

ClinVar aggregate classification (germline): Uncertain significance (1 of 4 stars; one submission).

Submission:

Labcorp Genetics (formerly Invitae), Labcorp
Classification: Uncertain significance. Last evaluated: 2023-08-17. Review status: criteria provided, single submitter. Criteria: Invitae Variant Classification Sherloc (09022015). Collection method: clinical testing. Allele origin: germline.
Comment: In summary, the available evidence is currently insufficient to determine the role of this variant in disease. Therefore, it has been classified as a Variant of Uncertain Significance. An algorithm developed to predict the effect of missense changes on protein structure and function (PolyPhen-2) suggests that this variant is likely to be disruptive. This variant has not been reported in the literature in individuals affected with RNF31-related conditions. This variant is not present in population databases (gnomAD no frequency). This sequence change replaces lysine, which is basic and polar, with arginine, which is basic and polar, at codon 848 of the RNF31 protein (p.Lys848Arg).